The following is an entry in ClinVar:

ClinVar aggregate classification (germline): Uncertain significance (1 of 4 stars; one submission).

Conditions:
Hypertrophic cardiomyopathy. Also called: HYPERTROPHIC MYOCARDIOPATHY. Identifiers: Orphanet 217569, MedGen C0007194, MeSH D002312, MONDO:0005045, HP:0001639.

Allele frequency attached by ClinVar (database versions not stated): gnomAD 0.00001.
gnomAD v4.1: 1 of 1,613,940 alleles (0.000062%); highest among the groups gnomAD compares: East Asian, 0.0022%; no homozygotes.

Submission:

All of Us Research Program, National Institutes of Health
Classification: Uncertain significance for Hypertrophic cardiomyopathy. Last evaluated: 2023-05-16. Review status: criteria provided, single submitter. Criteria: ACMG Guidelines, 2015. Collection method: clinical testing. Allele origin: germline. Inheritance: Autosomal dominant inheritance. Observed: 1 variant allele, 1 heterozygote.
Comment: This missense variant replaces glycine with aspartic acid at codon 75 of the MYL2 protein. Computational prediction suggests that this variant may have deleterious impact on protein structure and function (internally defined REVEL score threshold >= 0.7, PMID: 27666373). To our knowledge, functional studies have not been reported for this variant. This variant has not been reported in individuals affected with MYL2-related disorders in the literature. This variant has not been identified in the general population by the Genome Aggregation Database (gnomAD). The available evidence is insufficient to determine the role of this variant in disease conclusively. Therefore, this variant is classified as a Variant of Uncertain Significance.

This study involves interpretation of variants in research participants for the purpose of population health screening. Participant phenotype was not available at the time of variant classification. Additional details can be found in publication PMID: 35346344, PMCID: PMC8962531

NM_000432.4(MYL2):c.224G>A (p.Gly75Asp)

Gene: MYL2 (myosin light chain 2; minus strand). Cytogenetic location: 12q24.11.
Variant type: single nucleotide variant.
Coding change: c.224G>A on transcript NM_000432.4 (MANE Select); coding-DNA position 224, G replaced by A.
Protein change: p.Gly75Asp; replaces glycine 75 with aspartic acid.
Molecular consequence: missense variant.
Genome position (GRCh38, 1-based): chr12:110,914,236, C>T on the plus strand (G>A on the coding strand, the complement: MYL2 is on the minus strand). VCF-style: chr12-110914236-C-T. GRCh37 (hg19) VCF-style: chr12-111352040-C-T.
Other names: c.182G>A, p.Gly61Asp (NM_001406745.1, NM_001406746.1); c.167G>A, p.Gly56Asp (NM_001406916.1); short protein forms G56D, G61D, G75D.
Identifiers: ClinVar variation 3071264 (VCV003071264.1), dbSNP rs1358412542, ClinGen allele CA386698746.